The following is an entry in ClinVar:

ClinVar aggregate classification (germline): Uncertain significance. Review status: criteria provided, multiple submitters, no conflicts (2 of 4 stars). 2 submissions from 2 submitters: Uncertain significance (2). Last evaluated 2022-03-18.

Conditions:
Hereditary cancer-predisposing syndrome. Also called: Neoplastic Syndromes, Hereditary; Tumor predisposition; Hereditary Cancer Syndrome; Hereditary neoplastic syndrome. Identifiers: Orphanet 140162, MedGen C0027672, MeSH D009386, MONDO:0015356.
Fanconi anemia complementation group J. Also called: BRIP1-Related Fanconi Anemia. Identifiers: Orphanet 84, MedGen C1836860, MONDO:0012187, OMIM 609054.
Familial cancer of breast. Also called: BREAST CANCER, FAMILIAL; Hereditary breast cancer; hereditary breast carcinoma. Identifiers: Orphanet 227535, MedGen C0346153, MONDO:0016419, OMIM 114480. Disease mechanism: loss of function.

Submissions (2):

Labcorp Genetics (formerly Invitae), Labcorp
Classification: Uncertain significance for Familial cancer of breast; Fanconi anemia complementation group J. Last evaluated: 2022-03-18. Review status: criteria provided, single submitter. Criteria: Invitae Variant Classification Sherloc (09022015). Collection method: clinical testing. Allele origin: germline.
Comment: This sequence change replaces alanine, which is neutral and non-polar, with serine, which is neutral and polar, at codon 135 of the BRIP1 protein (p.Ala135Ser). This variant is not present in population databases (gnomAD no frequency). This variant has not been reported in the literature in individuals affected with BRIP1-related conditions. Algorithms developed to predict the effect of missense changes on protein structure and function (SIFT, PolyPhen-2, Align-GVGD) all suggest that this variant is likely to be tolerated. In summary, the available evidence is currently insufficient to determine the role of this variant in disease. Therefore, it has been classified as a Variant of Uncertain Significance.

Ambry Genetics
Classification: Uncertain significance for Hereditary cancer-predisposing syndrome. Last evaluated: 2021-12-10. Review status: criteria provided, single submitter. Criteria: Ambry Variant Classification Scheme 2023. Collection method: clinical testing. Allele origin: germline.
Comment: The p.A135S variant (also known as c.403G>T), located in coding exon 4 of the BRIP1 gene, results from a G to T substitution at nucleotide position 403. The alanine at codon 135 is replaced by serine, an amino acid with similar properties. This amino acid position is conserved. In addition, this alteration is predicted to be tolerated by in silico analysis. Since supporting evidence is limited at this time, the clinical significance of this alteration remains unclear.

NM_032043.3(BRIP1):c.403G>T (p.Ala135Ser)

Gene: BRIP1 (BRCA1 interacting DNA helicase 1; minus strand). Cytogenetic location: 17q23.2.
Variant type: single nucleotide variant.
Coding change: c.403G>T on transcript NM_032043.3 (MANE Select); coding-DNA position 403, G replaced by T.
Protein change: p.Ala135Ser; replaces alanine 135 with serine.
Molecular consequence: missense variant.
Genome position (GRCh38, 1-based): chr17:61,849,233, C>A on the plus strand (G>T on the coding strand, the complement: BRIP1 is on the minus strand). VCF-style: chr17-61849233-C-A. GRCh37 (hg19) VCF-style: chr17-59926594-C-A.
Other names: short protein forms A135S.
Identifiers: ClinVar variation 1737278 (VCV001737278.4), dbSNP rs2145765795, ClinGen allele CA400484572.